The following is an entry in ClinVar:

ClinVar aggregate classification (germline): Uncertain significance (1 of 4 stars; one submission).

gnomAD v4.1: 4 of 1,183,766 alleles (0.00034%); no homozygotes.

Submission:

GeneDx
Classification: Uncertain significance. Last evaluated: 2025-01-28. Review status: criteria provided, single submitter. Criteria: GeneDx Variant Classification Process June 2021. Collection method: clinical testing. Allele origin: germline. Affected: yes.
Comment: In silico analysis supports that this missense variant has a deleterious effect on protein structure/function; Has not been previously published as pathogenic or benign to our knowledge

NM_001079872.2(CUL4B):c.789T>A (p.Asp263Glu)

Gene: CUL4B (cullin 4B; minus strand). Cytogenetic location: Xq24.
Variant type: single nucleotide variant.
Coding change: c.789T>A on transcript NM_001079872.2 (MANE Select); coding-DNA position 789, T replaced by A.
Protein change: p.Asp263Glu; replaces aspartic acid 263 with glutamic acid.
Molecular consequence: missense variant.
Genome position (GRCh38, 1-based): chrX:120,546,604, A>T on the plus strand (T>A on the coding strand, the complement: CUL4B is on the minus strand). VCF-style: chrX-120546604-A-T. GRCh37 (hg19) VCF-style: chrX-119680459-A-T.
Other names: c.804T>A, p.Asp268Glu (NM_001330624.2); c.255T>A, p.Asp85Glu (NM_001369145.1); c.843T>A, p.Asp281Glu (NM_003588.4); short protein forms D263E, D268E, D281E, D85E.
Identifiers: ClinVar variation 4071935 (VCV004071935.1).
Genomic context (GRCh38, chrX:120,546,604, plus strand): 5'-TACCATTTGTCTGCAATGGTTTTGCCAGCATCTATCAATCTTCTTTAAAAAAAGAACGCT[A>T]TCCAATGAATCCCTGAAACATATGTTAAGGATATTTTAAAGCGTTTGGTACAAGTCATAT-3'
Protein context (NP_001073341.1, residues 253-273): QIHQFREDSL[Asp263Glu]SVLFLKKIDR